The following is an entry in ClinVar:

NM_001048174.2(MUTYH):c.870A>C (p.Leu290Phe)

Gene: MUTYH (mutY DNA glycosylase; minus strand). Cytogenetic location: 1p34.1.
Variant type: single nucleotide variant.
Coding change: c.870A>C on transcript NM_001048174.2 (MANE Select); coding-DNA position 870, A replaced by C.
Protein change: p.Leu290Phe; replaces leucine 290 with phenylalanine.
Molecular consequence: missense variant. On other transcripts: non-coding transcript variant (2).
Genome position (GRCh38, 1-based): chr1:45,332,066, T>G on the plus strand (A>C on the coding strand, the complement: MUTYH is on the minus strand). VCF-style: chr1-45332066-T-G. GRCh37 (hg19) VCF-style: chr1-45797738-T-G.
Other names: c.870A>C, p.Leu290Phe (NM_001048171.2, NM_001048173.2, NM_001293195.2); c.873A>C, p.Leu291Phe (NM_001048172.2); c.954A>C, p.Leu318Phe (NM_001128425.2); c.915A>C, p.Leu305Phe (NM_001293190.2); c.903A>C, p.Leu301Phe (NM_001293191.2); c.594A>C, p.Leu198Phe (NM_001293192.2, NM_001293196.2); c.525A>C, p.Leu175Phe (NM_001350650.2, NM_001350651.2); c.945A>C, p.Leu315Phe (NM_012222.3); short protein forms L198F, L305F, L290F, L291F, L301F, L315F, L175F, L318F.
Identifiers: ClinVar variation 835316 (VCV000835316.12), dbSNP rs1553127406, ClinGen allele CA340134166.

ClinVar aggregate classification (germline): Conflicting classifications of pathogenicity. Review status: criteria provided, conflicting classifications (1 of 4 stars). 3 submissions from 3 submitters: Uncertain significance (2); Likely benign (1). Last evaluated 2026-09-04.

Conditions:
Hereditary cancer-predisposing syndrome. Also called: Tumor predisposition; Hereditary neoplastic syndrome; Neoplastic Syndromes, Hereditary; Hereditary Cancer Syndrome. Identifiers: Orphanet 140162, MedGen C0027672, MeSH D009386, MONDO:0015356.
Familial adenomatous polyposis 2. Also called: MUTYH Polyposis; MUTYH-related attenuated familial adenomatous polyposis; Adenomas, multiple colorectal; COLORECTAL ADENOMATOUS POLYPOSIS, AUTOSOMAL RECESSIVE; ADENOMAS, MULTIPLE COLORECTAL, AUTOSOMAL RECESSIVE; MYH-associated polyposis. Identifiers: Orphanet 220460, Orphanet 247798, MedGen C3272841, MONDO:0012041, OMIM 608456.

Submissions (3):

Ambry Genetics
Classification: Likely benign for Hereditary cancer-predisposing syndrome. Last evaluated: 2026-09-04. Review status: criteria provided, single submitter. Criteria: Ambry Variant Classification Scheme 2023. Collection method: clinical testing. Allele origin: germline.

All of Us Research Program, National Institutes of Health
Classification: Uncertain significance for Familial adenomatous polyposis 2. Last evaluated: 2023-09-04. Review status: criteria provided, single submitter. Criteria: ACMG Guidelines, 2015. Collection method: clinical testing. Allele origin: germline. Inheritance: Autosomal recessive inheritance. Observed: 1 variant allele, 1 heterozygote.
Comment: This missense variant replaces leucine with phenylalanine at codon 318 of the MUTYH protein. Computational prediction suggests that this variant may not impact protein structure and function (internally defined REVEL score threshold <= 0.5, PMID: 27666373). To our knowledge, functional studies have not been reported for this variant. This variant has not been reported in individuals affected with MUTYH-related disorders in the literature. This variant has not been identified in the general population by the Genome Aggregation Database (gnomAD). The available evidence is insufficient to determine the role of this variant in disease conclusively. Therefore, this variant is classified as a Variant of Uncertain Significance.

This study involves interpretation of variants in research participants for the purpose of population health screening. Participant phenotype was not available at the time of variant classification. Additional details can be found in publication PMID: 35346344, PMCID: PMC8962531

Labcorp Genetics (formerly Invitae), Labcorp
Classification: Uncertain significance for Familial adenomatous polyposis 2. Last evaluated: 2019-01-25. Review status: criteria provided, single submitter. Criteria: Invitae Variant Classification Sherloc (09022015). Collection method: clinical testing. Allele origin: germline.
Comment: In summary, the available evidence is currently insufficient to determine the role of this variant in disease. Therefore, it has been classified as a Variant of Uncertain Significance. Algorithms developed to predict the effect of missense changes on protein structure and function (SIFT, PolyPhen-2, Align-GVGD) all suggest that this variant is likely to be tolerated, but these predictions have not been confirmed by published functional studies and their clinical significance is uncertain. This sequence change replaces leucine with phenylalanine at codon 318 of the MUTYH protein (p.Leu318Phe). The leucine residue is weakly conserved and there is a small physicochemical difference between leucine and phenylalanine. This variant is not present in population databases (ExAC no frequency). This variant has not been reported in the literature in individuals with MUTYH-related conditions.

Literature cited by the submitters: PubMed 40738107 (cited by Ambry Genetics).